The following is an entry in ClinVar:

NM_000486.6(AQP2):c.812_*2del (p.Ala271fs)

Genes: AQP5-AS1 (AQP5 and AQP2 antisense RNA 2; minus strand), AQP2 (aquaporin 2; plus strand). Cytogenetic location: 12q13.12.
Variant type: Deletion.
Coding change: c.812_*2del on transcript NM_000486.6 (MANE Select); coding-DNA position 812 through 2 bases downstream of the stop codon, 7 bases deleted (CCTGAGG; older notation c.812_*2delCCTGAGG).
Protein change: p.Ala271fs; shifts the reading frame from alanine 271.
Molecular consequence: frameshift variant.
Genome position (GRCh38, 1-based): chr12:49,955,604-49,955,610, CCTGAGG deleted; deleting any 7 consecutive bases within chr12:49,955,601-49,955,610 gives the same sequence; the c. name uses the placement nearest the transcript's 3' end. VCF-style (leftmost placement, unchanged base first): chr12-49955600-AAGGCCTG-A. GRCh37 (hg19) VCF-style: chr12-50349383-AAGGCCTG-A.
Other names: c.812_*2delCCTGAGG, p.Ala271_Ter(272_?)(?) (NM_000486.5); short protein forms A271fs.
Identifiers: ClinVar variation 4818436 (VCV004818436.1).

ClinVar aggregate classification (germline): Likely pathogenic (1 of 4 stars; one submission).

Conditions:
Nephrogenic diabetes insipidus. Identifiers: Orphanet 223, MedGen C0162283, MONDO:0016383, HP:0009806.

Submission:

Natera, Inc.
Classification: Likely pathogenic for Nephrogenic diabetes insipidus. Last evaluated: 2025-06-24. Review status: criteria provided, single submitter. Criteria: Natera Variant Classification Schema (03/2026). Collection method: clinical testing. Allele origin: germline.
Comment: The c.812_*2del variant in AQP2 is a frameshift variant predicted to shift the reading frame and introduce a stop codon. This variant is rare in the general population with a frequency below the threshold expected for the associated phenotype(s). This variant has been confirmed as or assumed to be a de novo occurrence in one or more affected individuals (PMID: 11536078). Functional studies show that this variant may disrupt protein function (PMID: 11536078). This variant results in a change to the protein length while preserving reading frame, which may disrupt normal protein structure or function. Given the available evidence, this variant is classified as Likely Pathogenic.

Literature cited by the submitters: PubMed 11536078.